The following is an entry in ClinVar:

ClinVar aggregate classification (germline): Pathogenic. Review status: no assertion criteria provided (0 of 4 stars). 2 submissions from 2 submitters: Pathogenic (2). Last evaluated 2013-07-03.

Conditions:
Myostatin-related muscle hypertrophy (MSLHP). Also called: MUSCLE HYPERTROPHY. Identifiers: Orphanet 275534, MedGen C2931112, MONDO:0013598, OMIM 614160.

Allele frequency attached by ClinVar (database versions not stated): gnomAD 0.00001; gnomAD exomes below 0.00001; TOPMed below 0.00001.
gnomAD v4.1: 13 of 1,612,708 alleles (0.00081%); highest among the groups gnomAD compares: South Asian, 0.0011%; no homozygotes.

Submissions (2):

GeneReviews
Classification: Pathogenic for Myostatin-Related Muscle Hypertrophy. Last evaluated: 2013-07-03. Review status: no assertion criteria provided. Collection method: curation. Allele origin: unknown.
ClinVar note: Converted during submission from pathologic to Pathogenic.

OMIM
Classification: Pathogenic for MUSCLE HYPERTROPHY (1 patient). Last evaluated: 2004-06-24. Review status: no assertion criteria provided. Collection method: literature only. Allele origin: germline.

Literature cited by the submitters: PubMed 15215484 (cited by OMIM).

NM_005259.3(MSTN):c.373+5G>A

Genes: AKAP19 (A-kinase anchoring protein 19; plus strand), MSTN (myostatin; minus strand). Cytogenetic location: 2q32.2.
Variant type: single nucleotide variant.
Coding change: c.373+5G>A on transcript NM_005259.3 (MANE Select); 5 bases into the intron after coding-DNA position 373, G replaced by A.
Molecular consequence: intron variant.
Genome position (GRCh38, 1-based): chr2:190,062,219, C>T on the plus strand (G>A on the coding strand, the complement: MSTN is on the minus strand). VCF-style: chr2-190062219-C-T. GRCh37 (hg19) VCF-style: chr2-190926945-C-T.
Other names: IVS1, G-A, +5; c.373+5G>A (LRG_200t1).
Identifiers: ClinVar variation 7705 (VCV000007705.4), dbSNP rs397515373, ClinGen allele CA340688.